The following is an entry in ClinVar:

NM_000157.4(GBA1):c.39del (p.Lys13fs)

Gene: GBA1 (glucosylceramidase beta 1; minus strand). Cytogenetic location: 1q22.
Variant type: Deletion.
Coding change: c.39del on transcript NM_000157.4 (MANE Select); coding-DNA position 39, one base deleted (G; older notation c.39delG).
Protein change: p.Lys13fs; shifts the reading frame from lysine 13.
Molecular consequence: frameshift variant. On other transcripts: intron variant (1).
Genome position (GRCh38, 1-based): chr1:155,240,706, C deleted on the plus strand (G on the coding strand, the reverse complement: GBA1 is on the minus strand). VCF-style (leftmost placement, unchanged base first): chr1-155240705-GC-G. GRCh37 (hg19) VCF-style: chr1-155210496-GC-G.
Other names: c.39del, p.Lys13fs (NM_001005741.3, NM_001005742.3, NM_001171812.2); c.-146-629del (NM_001171811.2); c.39delG (NM_001005741.2); short protein forms K13fs.
Identifiers: ClinVar variation 2445697 (VCV002445697.1), dbSNP rs2524851566, ClinGen allele CA2580061123.

ClinVar aggregate classification (germline): Likely pathogenic (1 of 4 stars; one submission).

Conditions:
Gaucher disease. Also called: Acute cerebral Gaucher disease; Cerebroside lipidosis syndrome; Gaucher splenomegaly; Sphingolipidosis 1; Glucocerebrosidosis; Glucosylceramidase deficiency. Identifiers: Orphanet 355, MedGen C0017205, MONDO:0018150.

Submission:

Women's Health and Genetics/Laboratory Corporation of America, LabCorp
Classification: Likely pathogenic for Gaucher disease. Last evaluated: 2023-02-04. Review status: criteria provided, single submitter. Criteria: LabCorp Variant Classification Summary - May 2015. Collection method: clinical testing. Allele origin: germline.
Comment: Variant summary: GBA c.39delG (p.Lys13AsnfsX3) results in a premature termination codon, predicted to cause a truncation of the encoded protein or absence of the protein due to nonsense mediated decay, which are commonly known mechanisms for disease. Truncations downstream of this position have been classified as pathogenic by our laboratory. The variant was absent in 250906 control chromosomes (gnomAD). To our knowledge, no occurrence of c.39delG in individuals affected with Gaucher Disease and no experimental evidence demonstrating its impact on protein function have been reported. No clinical diagnostic laboratories have submitted clinical-significance assessments for this variant to ClinVar after 2014. Based on the evidence outlined above, the variant was classified as likely pathogenic.